The following is an entry in ClinVar:

ClinVar aggregate classification (germline): Uncertain significance. Review status: criteria provided, multiple submitters, no conflicts (2 of 4 stars). 2 submissions from 2 submitters: Uncertain significance (2). Last evaluated 2024-02-19.

Conditions:
Inborn genetic diseases. Identifiers: MedGen C0950123, MeSH D030342.
Hereditary spastic paraplegia 30. Identifiers: Orphanet 101010, MedGen C5235139, MONDO:0012476.
Neuropathy, hereditary sensory, type 2C. Also called: Hereditary sensory and autonomic neuropathy type IIC; KIF1A-Related HSAN2 (HSAN2C). Identifiers: Orphanet 970, MedGen C3280168, MONDO:0013634, OMIM 614213.
Intellectual disability, autosomal dominant 9 (NESCAVS). Also called: NESCAV SYNDROME; KIF1A-Related Neurodevelopmental Disorder. Identifiers: Orphanet 662367, MedGen C5393830, MONDO:0013656, OMIM 614255.

gnomAD v4.1: 2 of 1,537,312 alleles (0.00013%); highest among the groups gnomAD compares: Non-Finnish European, 0.00018%; no homozygotes.

Submissions (2):

Labcorp Genetics (formerly Invitae), Labcorp
Classification: Uncertain significance for Hereditary spastic paraplegia 30; Neuropathy, hereditary sensory, type 2C; Intellectual disability, autosomal dominant 9. Last evaluated: 2024-02-19. Review status: criteria provided, single submitter. Criteria: Invitae Variant Classification Sherloc (09022015). Collection method: clinical testing. Allele origin: germline.
Comment: This sequence change replaces arginine, which is basic and polar, with tryptophan, which is neutral and slightly polar, at codon 1343 of the KIF1A protein (p.Arg1343Trp). This variant is not present in population databases (gnomAD no frequency). This variant has not been reported in the literature in individuals affected with KIF1A-related conditions. ClinVar contains an entry for this variant (Variation ID: 1739791). Advanced modeling of protein sequence and biophysical properties (such as structural, functional, and spatial information, amino acid conservation, physicochemical variation, residue mobility, and thermodynamic stability) performed at Invitae indicates that this missense variant is not expected to disrupt KIF1A protein function with a negative predictive value of 95%. In summary, the available evidence is currently insufficient to determine the role of this variant in disease. Therefore, it has been classified as a Variant of Uncertain Significance.

Ambry Genetics
Classification: Uncertain significance for Inborn genetic diseases. Last evaluated: 2020-01-30. Review status: criteria provided, single submitter. Criteria: Ambry Variant Classification Scheme 2023. Collection method: clinical testing. Allele origin: germline.
Comment: The p.R1444W variant (also known as c.4330C>T), located in coding exon 41 of the KIF1A gene, results from a C to T substitution at nucleotide position 4330. The arginine at codon 1444 is replaced by tryptophan, an amino acid with dissimilar properties. This amino acid position is highly conserved in available vertebrate species. In addition, the in silico prediction for this alteration is inconclusive. Since supporting evidence is limited at this time, the clinical significance of this alteration remains unclear.

NM_001244008.2(KIF1A):c.4330C>T (p.Arg1444Trp)

Gene: KIF1A (kinesin family member 1A; minus strand). Cytogenetic location: 2q37.3.
Variant type: single nucleotide variant.
Coding change: c.4330C>T on transcript NM_001244008.2 (MANE Select); coding-DNA position 4330, C replaced by T.
Protein change: p.Arg1444Trp; replaces arginine 1444 with tryptophan.
Molecular consequence: missense variant.
Genome position (GRCh38, 1-based): chr2:240,723,547, G>A on the plus strand (C>T on the coding strand, the complement: KIF1A is on the minus strand). VCF-style: chr2-240723547-G-A. GRCh37 (hg19) VCF-style: chr2-241662964-G-A.
Other names: c.4054C>T, p.Arg1352Trp (NM_001320705.2, NM_001379649.1); c.4081C>T, p.Arg1361Trp (NM_001330289.2); c.4129C>T, p.Arg1377Trp (NM_001330290.2, NM_001379648.1); c.4405C>T, p.Arg1469Trp (NM_001379631.1); c.4306C>T, p.Arg1436Trp (NM_001379632.1); c.4303C>T, p.Arg1435Trp (NM_001379633.1, NM_001379645.1); c.4156C>T, p.Arg1386Trp (NM_001379634.1); c.4153C>T, p.Arg1385Trp (NM_001379635.1, NM_001379646.1); and 7 more; short protein forms R1360W, R1361W, R1343W, R1469W, R1342W, R1351W, R1352W, R1385W.
Identifiers: ClinVar variation 1739791 (VCV001739791.4), dbSNP rs2125605245, ClinGen allele CA351305670.